The following is an entry in ClinVar:

NM_000088.4(COL1A1):c.571G>C (p.Gly191Arg)

Gene: COL1A1 (collagen type I alpha 1 chain; minus strand). Cytogenetic location: 17q21.33.
Variant type: single nucleotide variant.
Coding change: c.571G>C on transcript NM_000088.4 (MANE Select); coding-DNA position 571, G replaced by C.
Protein change: p.Gly191Arg; replaces glycine 191 with arginine.
Molecular consequence: missense variant.
Genome position (GRCh38, 1-based): chr17:50,198,178, C>G on the plus strand (G>C on the coding strand, the complement: COL1A1 is on the minus strand). VCF-style: chr17-50198178-C-G. GRCh37 (hg19) VCF-style: chr17-48275539-C-G.
Other names: short protein forms G191R.
Identifiers: ClinVar variation 4280715 (VCV004280715.1).

ClinVar aggregate classification (germline): Uncertain significance (1 of 4 stars; one submission).

Conditions:
Osteogenesis imperfecta type I (OI1). Also called: OI, TYPE I; OSTEOGENESIS IMPERFECTA TARDA; OSTEOGENESIS IMPERFECTA WITH BLUE SCLERAE; Osteogenesis imperfecta type 1; Lobstein's Disease; Lobstein disease. Identifiers: Orphanet 216796, Orphanet 666, MedGen C0023931, MONDO:0008146, OMIM 166200. Disease mechanism: loss of function.

Submission:

Laboratory of Genetic Skeletal Anomaly, Seoul National University Children's Hospital
Classification: Uncertain significance for Osteogenesis imperfecta type I. Last evaluated: 2025-03-01. Review status: criteria provided, single submitter. Criteria: ACMG Guidelines, 2015. Collection method: research. Allele origin: germline. Affected: yes.
Comment: This variant is a novel variant not previously reported in the literature or population databases. It was classified based on available in silico predictions and absence from gnomAD.